The following is an entry in ClinVar:

NM_007194.4(CHEK2):c.269dup (p.Ala91fs)

Gene: CHEK2 (checkpoint kinase 2; minus strand). Cytogenetic location: 22q12.1.
Variant type: Duplication.
Coding change: c.269dup on transcript NM_007194.4 (MANE Select); coding-DNA position 269, one base duplicated (C; older notation c.269dupC).
Protein change: p.Ala91fs; shifts the reading frame from alanine 91.
Molecular consequence: frameshift variant.
Genome position (GRCh38, 1-based): chr22:28,734,453, G duplicated on the plus strand (C on the coding strand, the reverse complement: CHEK2 is on the minus strand); the first of 4 consecutive G bases (chr22:28,734,453-28,734,456); duplicating any one gives the same sequence. VCF-style (leftmost placement, unchanged base first): chr22-28734452-A-AG. GRCh37 (hg19) VCF-style: chr22-29130440-A-AG.
Other names: c.269dupC (NM_007194.3); c.266dup, p.Ala91Cysfs (NM_001005735.3, NM_001349956.3, NM_145862.3); c.-512dup (NM_001257387.3); short protein forms A91fs.
Identifiers: ClinVar variation 479577 (VCV000479577.15), dbSNP rs1555932231, ClinGen allele CA658656846.

ClinVar aggregate classification (germline): Pathogenic. Review status: criteria provided, multiple submitters, no conflicts (2 of 4 stars). 4 submissions from 4 submitters: Pathogenic (4). Last evaluated 2024-10-03.

Conditions:
Familial cancer of breast. Also called: BREAST CANCER, FAMILIAL; Hereditary breast cancer; hereditary breast carcinoma. Identifiers: Orphanet 227535, MedGen C0346153, MONDO:0016419, OMIM 114480. Disease mechanism: loss of function.
Hereditary cancer-predisposing syndrome. Also called: Hereditary Cancer Syndrome; Neoplastic Syndromes, Hereditary; Tumor predisposition; Hereditary neoplastic syndrome. Identifiers: Orphanet 140162, MedGen C0027672, MeSH D009386, MONDO:0015356.

Submissions (4):

Labcorp Genetics (formerly Invitae), Labcorp
Classification: Pathogenic for Familial cancer of breast. Last evaluated: 2024-10-03. Review status: criteria provided, single submitter. Criteria: Invitae Variant Classification Sherloc (09022015). Collection method: clinical testing. Allele origin: germline.
Comment: This sequence change creates a premature translational stop signal (p.Ala91Cysfs*17) in the CHEK2 gene. It is expected to result in an absent or disrupted protein product. Loss-of-function variants in CHEK2 are known to be pathogenic (PMID: 21876083, 24713400). This variant is not present in population databases (gnomAD no frequency). This variant has not been reported in the literature in individuals affected with CHEK2-related conditions. ClinVar contains an entry for this variant (Variation ID: 479577). For these reasons, this variant has been classified as Pathogenic.

Ambry Genetics
Classification: Pathogenic for Hereditary cancer-predisposing syndrome. Last evaluated: 2023-08-29. Review status: criteria provided, single submitter. Criteria: Ambry Variant Classification Scheme 2023. Collection method: clinical testing. Allele origin: germline.
Comment: The c.269dupC pathogenic mutation, located in coding exon 1 of the CHEK2 gene, results from a duplication of C at nucleotide position 269, causing a translational frameshift with a predicted alternate stop codon (p.A91Cfs*17). This alteration is expected to result in loss of function by premature protein truncation or nonsense-mediated mRNA decay. As such, this alteration is interpreted as a disease-causing mutation.

Myriad Genetics, Inc.
Classification: Pathogenic for Familial cancer of breast. Last evaluated: 2023-06-23. Review status: criteria provided, single submitter. Criteria: Myriad Autosomal Dominant, Autosomal Recessive and X-Linked Classification Criteria (2023). Collection method: clinical testing. Allele origin: unknown.
Comment: This variant is considered pathogenic. This variant creates a frameshift predicted to result in premature protein truncation.

Color Diagnostics, LLC DBA Color Health
Classification: Pathogenic for Hereditary cancer-predisposing syndrome. Last evaluated: 2020-07-28. Review status: criteria provided, single submitter. Criteria: ACMG Guidelines, 2015. Collection method: clinical testing. Allele origin: germline.
Comment: This variant inserts 1 nucleotide in exon 2 of the CHEK2 gene, creating a frameshift and premature translation stop signal. This variant is expected to result in an absent or non-functional protein product. To our knowledge, this variant has not been reported in individuals affected with hereditary cancer in the literature. This variant has not been identified in the general population by the Genome Aggregation Database (gnomAD). Loss of CHEK2 function is a known mechanism of disease. Based on the available evidence, this variant is classified as Pathogenic.

Literature cited by the submitters: PubMed 21876083 (cited by Labcorp Genetics (formerly Invitae), Labcorp); PubMed 24713400 (cited by Labcorp Genetics (formerly Invitae), Labcorp).